The following is an entry in ClinVar:

NM_005876.5(SPEG):c.529G>A (p.Val177Met)

Gene: SPEG (striated muscle enriched protein kinase; plus strand). Cytogenetic location: 2q35.
Variant type: single nucleotide variant.
Coding change: c.529G>A on transcript NM_005876.5 (MANE Select); coding-DNA position 529, G replaced by A.
Protein change: p.Val177Met; replaces valine 177 with methionine.
Molecular consequence: missense variant.
Genome position (GRCh38, 1-based): chr2:219,444,875, G>A. VCF-style: chr2-219444875-G-A. GRCh37 (hg19) VCF-style: chr2-220309597-G-A.
Other names: c.529G>A (NM_005876.4); short protein forms V177M.
Identifiers: ClinVar variation 1405982 (VCV001405982.8), dbSNP rs747378329, ClinGen allele CA2125517.
Genomic context (GRCh38, chr2:219,444,875, plus strand): 5'-CTTTCTCTAGGGGGTTCTGACACCCTGGTGGGCACCTCCCTGGACACACCCCCGACCTCC[G>A]TGACAGGCACCTCAGAGGAGCAAGTGAGCTGGTGGGGCAGCGGGCAGACGGTCCTGGAGC-3'
Protein context (NP_005867.3, residues 167-187): GTSLDTPPTS[Val177Met]TGTSEEQVSW

ClinVar aggregate classification (germline): Uncertain significance. Review status: criteria provided, multiple submitters, no conflicts (2 of 4 stars). 2 submissions from 2 submitters: Uncertain significance (2). Last evaluated 2023-05-24.

Conditions:
Inborn genetic diseases. Identifiers: MedGen C0950123, MeSH D030342.

Allele frequency attached by ClinVar (database versions not stated): gnomAD exomes 0.00002 and 0.00007; ExAC 0.00006; TOPMed 0.00015; gnomAD 0.00018 and 0.00020.

Submissions (2):

Labcorp Genetics (formerly Invitae), Labcorp
Classification: Uncertain significance. Last evaluated: 2023-05-24. Review status: criteria provided, single submitter. Criteria: Invitae Variant Classification Sherloc (09022015). Collection method: clinical testing. Allele origin: germline.
Comment: This sequence change replaces valine, which is neutral and non-polar, with methionine, which is neutral and non-polar, at codon 177 of the SPEG protein (p.Val177Met). This variant is present in population databases (rs747378329, gnomAD 0.06%). This variant has not been reported in the literature in individuals affected with SPEG-related conditions. ClinVar contains an entry for this variant (Variation ID: 1405982). Algorithms developed to predict the effect of missense changes on protein structure and function output the following: SIFT: "Not Available"; PolyPhen-2: "Benign"; Align-GVGD: "Not Available". The methionine amino acid residue is found in multiple mammalian species, which suggests that this missense change does not adversely affect protein function. In summary, the available evidence is currently insufficient to determine the role of this variant in disease. Therefore, it has been classified as a Variant of Uncertain Significance.

Ambry Genetics
Classification: Uncertain significance for Inborn genetic diseases. Last evaluated: 2021-06-11. Review status: criteria provided, single submitter. Criteria: Ambry Variant Classification Scheme 2023. Collection method: clinical testing. Allele origin: germline.